The following is an entry in ClinVar:

ClinVar aggregate classification (germline): Uncertain significance (1 of 4 stars; one submission).

Submission:

Labcorp Genetics (formerly Invitae), Labcorp
Classification: Uncertain significance. Last evaluated: 2023-03-03. Review status: criteria provided, single submitter. Criteria: Invitae Variant Classification Sherloc (09022015). Collection method: clinical testing. Allele origin: germline.
Comment: In summary, the available evidence is currently insufficient to determine the role of this variant in disease. Therefore, it has been classified as a Variant of Uncertain Significance. Advanced modeling of protein sequence and biophysical properties (such as structural, functional, and spatial information, amino acid conservation, physicochemical variation, residue mobility, and thermodynamic stability) has been performed at Invitae for this missense variant, however the output from this modeling did not meet the statistical confidence thresholds required to predict the impact of this variant on ERBB4 protein function. This variant has not been reported in the literature in individuals affected with ERBB4-related conditions. This variant is present in population databases (no rsID available, gnomAD 0.0009%). This sequence change replaces glutamic acid, which is acidic and polar, with lysine, which is basic and polar, at codon 1020 of the ERBB4 protein (p.Glu1020Lys).

NM_005235.3(ERBB4):c.3058G>A (p.Glu1020Lys)

Gene: ERBB4 (erb-b2 receptor tyrosine kinase 4; minus strand). Cytogenetic location: 2q34.
Variant type: single nucleotide variant.
Coding change: c.3058G>A on transcript NM_005235.3 (MANE Select); coding-DNA position 3058, G replaced by A.
Protein change: p.Glu1020Lys; replaces glutamic acid 1020 with lysine.
Molecular consequence: missense variant.
Genome position (GRCh38, 1-based): chr2:211,420,518, C>T on the plus strand (G>A on the coding strand, the complement: ERBB4 is on the minus strand). VCF-style: chr2-211420518-C-T. GRCh37 (hg19) VCF-style: chr2-212285243-C-T.
Other names: c.3058G>A, p.Glu1020Lys (NM_001042599.2); short protein forms E1020K.
Identifiers: ClinVar variation 2842745 (VCV002842745.3), dbSNP rs1332523099, ClinGen allele CA350778037.